The following is an entry in ClinVar:

NM_004415.4(DSP):c.4621G>A (p.Asp1541Asn)

Gene: DSP (desmoplakin; plus strand). Cytogenetic location: 6p24.3.
Variant type: single nucleotide variant.
Coding change: c.4621G>A on transcript NM_004415.4 (MANE Select); coding-DNA position 4621, G replaced by A.
Protein change: p.Asp1541Asn; replaces aspartic acid 1541 with asparagine.
Molecular consequence: missense variant. On other transcripts: intron variant (2).
Genome position (GRCh38, 1-based): chr6:7,580,811, G>A. VCF-style: chr6-7580811-G-A. GRCh37 (hg19) VCF-style: chr6-7581044-G-A.
Other names: c.4050+571G>A (NM_001319034.2); c.3582+1039G>A (NM_001008844.3); short protein forms D1541N.
Identifiers: ClinVar variation 691717 (VCV000691717.18), dbSNP rs750607476, ClinGen allele CA042150.

ClinVar aggregate classification (germline): Conflicting classifications of pathogenicity. Review status: criteria provided, conflicting classifications (1 of 4 stars). 6 submissions from 6 submitters: Uncertain significance (5); Likely benign (1). Last evaluated 2025-10-13.

Conditions:
Arrhythmogenic right ventricular dysplasia 8 (ARVD8). Also called: Arrhythmogenic Right Ventricular Dysplasia/Cardiomyopathy 8; ARRHYTHMOGENIC RIGHT VENTRICULAR DYSPLASIA, FAMILIAL, 8; ARRHYTHMOGENIC RIGHT VENTRICULAR CARDIOMYOPATHY 8. Identifiers: MedGen C1843896, MONDO:0011831, OMIM 607450.
Woolly hair-skin fragility syndrome (WHSF). Identifiers: Orphanet 293165, MedGen C1843292, MONDO:0957307, OMIM 620415.
Cardiomyopathy, dilated, with wooly hair, keratoderma, and tooth agenesis. Also called: Erythrokeratodermia-cardiomyopathy syndrome; Cardiomyopathy, dilated, with woolly hair, keratoderma, and tooth agenesis. Identifiers: Orphanet 476096, Orphanet 65282, MedGen C4014393, MONDO:0014355, OMIM 615821.
Arrhythmogenic cardiomyopathy with wooly hair and keratoderma. Also called: Carvajal syndrome; PALMOPLANTAR KERATODERMA WITH LEFT VENTRICULAR CARDIOMYOPATHY AND WOOLLY HAIR; Arrhythmogenic cardiomyopathy with woolly hair and keratoderma; Dilated cardiomyopathy with woolly hair and keratoderma. Identifiers: Orphanet 65282, MedGen C1854063, MONDO:0011581, OMIM 605676.
Lethal acantholytic epidermolysis bullosa (EBLA). Identifiers: Orphanet 158687, MedGen C1864826, MONDO:0012323, OMIM 609638.
Keratosis palmoplantaris striata 2. Also called: KERATODERMA, PALMOPLANTAR, STRIATE FORM II; STRIATE PALMOPLANTAR KERATODERMA II; Keratosis palmoplantaris striata II. Identifiers: MedGen C1852127, MONDO:0013034, OMIM 612908.
Cardiomyopathy (CMYO). Also called: Cardiomyopathies. Identifiers: Orphanet 167848, MedGen C0878544, MONDO:0004994, HP:0001638. Inheritance: Various modes of inheritance.

Allele frequency attached by ClinVar (database versions not stated): gnomAD exomes below 0.00001; ExAC 0.00001; gnomAD 0.00001; TOPMed 0.00002.
gnomAD v4.1: 7 of 1,614,026 alleles (0.00043%); highest among the groups gnomAD compares: African/African-American, 0.004%; no homozygotes.

Submissions (6):

Labcorp Genetics (formerly Invitae), Labcorp
Classification: Likely benign for Arrhythmogenic cardiomyopathy with wooly hair and keratoderma; Arrhythmogenic right ventricular dysplasia 8. Last evaluated: 2025-10-13. Review status: criteria provided, single submitter. Criteria: Invitae Variant Classification Sherloc (09022015). Collection method: clinical testing. Allele origin: germline.

All of Us Research Program, National Institutes of Health
Classification: Uncertain significance for Arrhythmogenic cardiomyopathy with wooly hair and keratoderma. Last evaluated: 2024-08-06. Review status: criteria provided, single submitter. Criteria: ACMG Guidelines, 2015. Collection method: clinical testing. Allele origin: germline. Inheritance: Autosomal dominant inheritance. Observed: 1 variant allele, 1 heterozygote.
Comment: This study involves interpretation of variants in research participants for the purpose of population health screening. Participant phenotype was not available at the time of variant classification. Additional details can be found in publication PMID: 35346344, PMCID: PMC8962531

Color Diagnostics, LLC DBA Color Health
Classification: Uncertain significance for Cardiomyopathy. Last evaluated: 2023-12-05. Review status: criteria provided, single submitter. Criteria: ACMG Guidelines, 2015. Collection method: clinical testing. Allele origin: germline.
Comment: This missense variant replaces aspartic acid with asparagine at codon 1541 of the DSP protein. Computational prediction tools and conservation analyses are inconclusive regarding the impact of this variant on the protein function. Computational splicing tools suggest that this variant may not impact RNA splicing. To our knowledge, functional assays have not been performed for this variant nor has this variant been reported in individuals affected with cardiovascular disorders in the literature. This variant has been identified in 1/250108 chromosomes in the general population by the Genome Aggregation Database (gnomAD). Available evidence is insufficient to determine the role of this variant in disease conclusively. Therefore, this variant is classified as a Variant of Uncertain Significance.

Fulgent Genetics
Classification: Uncertain significance for Arrhythmogenic cardiomyopathy with wooly hair and keratoderma; Arrhythmogenic right ventricular dysplasia 8; Lethal acantholytic epidermolysis bullosa; Keratosis palmoplantaris striata 2; Cardiomyopathy, dilated, with wooly hair, keratoderma, and tooth agenesis. Last evaluated: 2022-04-28. Review status: criteria provided, single submitter. Criteria: ACMG Guidelines, 2015. Collection method: clinical testing. Allele origin: unknown.

Revvity Omics, Revvity
Classification: Uncertain significance. Last evaluated: 2021-04-23. Review status: criteria provided, single submitter. Criteria: ACMG Guidelines, 2015. Collection method: clinical testing. Allele origin: germline.

Center for Advanced Laboratory Medicine, UC San Diego Health, University of California San Diego
Classification: Uncertain significance for Cardiomyopathy. Last evaluated: 2019-04-17. Review status: criteria provided, single submitter. Criteria: ACMG Guidelines, 2015. Collection method: clinical testing. Allele origin: germline. Affected: yes. Observed: 1 variant allele.